The following is an entry in ClinVar:

ClinVar aggregate classification (germline): Uncertain significance (1 of 4 stars; one submission).

Submission:

ISCA site 15
Classification: Uncertain significance. Last evaluated: 2011-08-12. Review status: criteria provided, single submitter. Criteria: Kaminsky et al. (Genet Med. 2011). Collection method: clinical testing. Allele origin: paternal. Affected: yes. Observed: 1 variant allele.
Comment: Copy number variation identified through the course of routine clinical cytogenomic testing in postnatal populations. Clinical assertions have been curated as described in Kaminsky et al. 2011.

GRCh38/hg38 2q12.2-13(chr2:106696282-110223328)x3

Genes: CCDC138 (coiled-coil domain containing 138; plus strand), EDAR (ectodysplasin A receptor; minus strand), GACAT1 (gastric cancer associated transcript 1; plus strand), GCC2 (GRIP and coiled-coil domain containing 2; plus strand), GCC2-AS1 (GCC2 antisense RNA 1; minus strand) and 90 more. Cytogenetic location: 2q12.2-13.
Variant type: copy number gain.
Change: copy number 3 (three copies instead of two) of chr2:106,696,282-110,223,328 (3.53 Mb, GRCh38 coordinates, 1-based), cytogenetic band 2q12.2-13.
Identifiers: ClinVar variation 59313 (VCV000059313.1).